The following is an entry in ClinVar:

ClinVar aggregate classification (germline): Uncertain significance. Review status: criteria provided, multiple submitters, no conflicts (2 of 4 stars). 2 submissions from 2 submitters: Uncertain significance (2). Last evaluated 2024-08-29.

Conditions:
Duchenne muscular dystrophy (DMD). Also called: MUSCULAR DYSTROPHY, PSEUDOHYPERTROPHIC PROGRESSIVE, DUCHENNE TYPE; Duchenne Muscular Dystrophy (DMD). Identifiers: Orphanet 98896, MedGen C0013264, MONDO:0010679, OMIM 310200.

Allele frequency attached by ClinVar (database versions not stated): gnomAD exomes below 0.00001.
gnomAD v4.1: 2 of 1,210,786 alleles (0.00017%); highest among the groups gnomAD compares: Non-Finnish European, 0.00022%; no homozygotes.

Submissions (2):

Labcorp Genetics (formerly Invitae), Labcorp
Classification: Uncertain significance for Duchenne muscular dystrophy. Last evaluated: 2024-08-29. Review status: criteria provided, single submitter. Criteria: Invitae Variant Classification Sherloc (09022015). Collection method: clinical testing. Allele origin: germline.
Comment: This sequence change replaces glycine, which is neutral and non-polar, with aspartic acid, which is acidic and polar, at codon 2609 of the DMD protein (p.Gly2609Asp). This variant is not present in population databases (gnomAD no frequency). This variant has not been reported in the literature in individuals affected with DMD-related conditions. ClinVar contains an entry for this variant (Variation ID: 409927). Invitae Evidence Modeling of protein sequence and biophysical properties (such as structural, functional, and spatial information, amino acid conservation, physicochemical variation, residue mobility, and thermodynamic stability) indicates that this missense variant is not expected to disrupt DMD protein function with a negative predictive value of 95%. In summary, the available evidence is currently insufficient to determine the role of this variant in disease. Therefore, it has been classified as a Variant of Uncertain Significance.

Stanford Center for Inherited Cardiovascular Disease, Stanford University
Classification: Uncertain significance. Last evaluated: 2017-04-06. Review status: criteria provided, single submitter. Criteria: ACMG Guidelines, 2015. Collection method: provider interpretation. Allele origin: germline.

NM_004006.3(DMD):c.7826G>A (p.Gly2609Asp)

Gene: DMD (dystrophin; minus strand). Cytogenetic location: Xp21.1.
Variant type: single nucleotide variant.
Coding change: c.7826G>A on transcript NM_004006.3 (MANE Select); coding-DNA position 7826, G replaced by A.
Protein change: p.Gly2609Asp; replaces glycine 2609 with aspartic acid.
Molecular consequence: missense variant.
Genome position (GRCh38, 1-based): chrX:31,679,421, C>T on the plus strand (G>A on the coding strand, the complement: DMD is on the minus strand). VCF-style: chrX-31679421-C-T. GRCh37 (hg19) VCF-style: chrX-31697538-C-T.
Other names: c.7802G>A, p.Gly2601Asp (NM_000109.4); c.7814G>A, p.Gly2605Asp (NM_004009.3); c.7457G>A, p.Gly2486Asp (NM_004010.3); c.3803G>A, p.Gly1268Asp (NM_004011.4); c.3794G>A, p.Gly1265Asp (NM_004012.4); c.446G>A, p.Gly149Asp (NM_004013.3, NM_004020.4, NM_004021.3 and 2 more transcripts); short protein forms G2609D, G1265D, G1268D, G149D, G2605D, G2486D, G2601D.
Identifiers: ClinVar variation 409927 (VCV000409927.12), dbSNP rs1060502649, ClinGen allele CA16616667.